The following is an entry in ClinVar:

NM_004655.4(AXIN2):c.2332C>T (p.Arg778Trp)

Gene: AXIN2 (axin 2; minus strand). Cytogenetic location: 17q24.1.
Variant type: single nucleotide variant.
Coding change: c.2332C>T on transcript NM_004655.4 (MANE Select); coding-DNA position 2332, C replaced by T.
Protein change: p.Arg778Trp; replaces arginine 778 with tryptophan.
Molecular consequence: missense variant.
Genome position (GRCh38, 1-based): chr17:65,533,985, G>A on the plus strand (C>T on the coding strand, the complement: AXIN2 is on the minus strand). VCF-style: chr17-65533985-G-A. GRCh37 (hg19) VCF-style: chr17-63530103-G-A.
Other names: c.2137C>T, p.Arg713Trp (NM_001363813.1); short protein forms R713W, R778W.
Identifiers: ClinVar variation 857128 (VCV000857128.15), dbSNP rs1398258340, ClinGen allele CA400675481.
Genomic context (GRCh38, chr17:65,533,985, plus strand): 5'-TTTTGCTGAGCTGCTCTTTAAAGTGGCCCAGGGTCAAGCTCTGAGCCTTCAGCATCCTCC[G>A]GTATGGAATTTCTTCCCCACAGAAAAAGTAAGTGACAACCAACTCACTGGCCTGGAGCGC-3'
Protein context (NP_004646.3, residues 768-788): YFFCGEEIPY[Arg778Trp]RMLKAQSLTL

ClinVar aggregate classification (germline): Uncertain significance. Review status: criteria provided, multiple submitters, no conflicts (2 of 4 stars). 4 submissions from 4 submitters: Uncertain significance (4). Last evaluated 2025-09-22.

Conditions:
Hereditary cancer-predisposing syndrome. Also called: Tumor predisposition; Hereditary neoplastic syndrome; Neoplastic Syndromes, Hereditary; Hereditary Cancer Syndrome. Identifiers: Orphanet 140162, MedGen C0027672, MeSH D009386, MONDO:0015356.
Oligodontia-cancer predisposition syndrome. Also called: TOOTH AGENESIS-COLORECTAL CANCER SYNDROME. Identifiers: Orphanet 300576, MedGen C1837750, MONDO:0012075, OMIM 608615. Disease mechanism: loss of function.

Allele frequency attached by ClinVar (database versions not stated): gnomAD exomes below 0.00001.
gnomAD v4.1: 2 of 1,614,168 alleles (0.00012%); highest among the groups gnomAD compares: Non-Finnish European, 0.00017%; no homozygotes.

Submissions (4):

Labcorp Genetics (formerly Invitae), Labcorp
Classification: Uncertain significance for Oligodontia-cancer predisposition syndrome. Last evaluated: 2025-09-22. Review status: criteria provided, single submitter. Criteria: Invitae Variant Classification Sherloc (09022015). Collection method: clinical testing. Allele origin: germline.
Comment: This sequence change replaces arginine, which is basic and polar, with tryptophan, which is neutral and slightly polar, at codon 778 of the AXIN2 protein (p.Arg778Trp). This variant is present in population databases (no rsID available, gnomAD 0.0009%). This variant has not been reported in the literature in individuals affected with AXIN2-related conditions. ClinVar contains an entry for this variant (Variation ID: 857128). Invitae Evidence Modeling of protein sequence and biophysical properties (such as structural, functional, and spatial information, amino acid conservation, physicochemical variation, residue mobility, and thermodynamic stability) indicates that this missense variant is expected to disrupt AXIN2 protein function with a positive predictive value of 80%. In summary, the available evidence is currently insufficient to determine the role of this variant in disease. Therefore, it has been classified as a Variant of Uncertain Significance.

Ambry Genetics
Classification: Uncertain significance for Hereditary cancer-predisposing syndrome. Last evaluated: 2024-12-18. Review status: criteria provided, single submitter. Criteria: Ambry Variant Classification Scheme 2023. Collection method: clinical testing. Allele origin: germline.
Comment: The p.R778W variant (also known as c.2332C>T), located in coding exon 9 of the AXIN2 gene, results from a C to T substitution at nucleotide position 2332. The arginine at codon 778 is replaced by tryptophan, an amino acid with dissimilar properties. This amino acid position is conserved. In addition, the in silico prediction for this alteration is inconclusive. Since supporting evidence is limited at this time, the clinical significance of this alteration remains unclear.

Quest Diagnostics Nichols Institute San Juan Capistrano
Classification: Uncertain significance. Last evaluated: 2024-10-23. Review status: criteria provided, single submitter. Criteria: Quest Diagnostics criteria. Collection method: clinical testing. Allele origin: unknown.
Comment: The AXIN2 c.2332C>T (p.Arg778Trp) variant has not been reported in individuals with AXIN2-related conditions in the published literature. The frequency of this variant in the general population, 0.000004 (1/251488 chromosomes (Genome Aggregation Database)), is uninformative in the assessment of its pathogenicity. Analysis of this variant using bioinformatics tools for the prediction of the effect of amino acid changes on protein structure and function yielded conflicting predictions that this variant is benign or damaging. Based on the available information, we are unable to determine the clinical significance of this variant.

GeneDx
Classification: Uncertain significance. Last evaluated: 2020-05-08. Review status: criteria provided, single submitter. Criteria: GeneDx Variant Classification Process June 2021. Collection method: clinical testing. Allele origin: germline. Affected: yes.
Comment: Not observed in large population cohorts (Lek et al., 2016); In silico analysis supports that this missense variant has a deleterious effect on protein structure/function; Has not been previously published as pathogenic or benign to our knowledge